The following is an entry in ClinVar:

ClinVar aggregate classification (germline): Uncertain significance. Review status: criteria provided, multiple submitters, no conflicts (2 of 4 stars). 2 submissions from 2 submitters: Uncertain significance (2). Last evaluated 2025-10-26.

Conditions:
Inborn genetic diseases. Identifiers: MedGen C0950123, MeSH D030342.

gnomAD v4.1: 21 of 1,564,822 alleles (0.0013%); highest among the groups gnomAD compares: African/African-American, 0.0054%; no homozygotes.

Submissions (2):

Labcorp Genetics (formerly Invitae), Labcorp
Classification: Uncertain significance. Last evaluated: 2025-10-26. Review status: criteria provided, single submitter. Criteria: Invitae Variant Classification Sherloc (09022015). Collection method: clinical testing. Allele origin: germline.
Comment: This sequence change replaces valine, which is neutral and non-polar, with methionine, which is neutral and non-polar, at codon 264 of the SLC26A1 protein (p.Val264Met). The frequency data for this variant in the population databases is considered unreliable, as metrics indicate poor data quality at this position in the gnomAD database. This variant has not been reported in the literature in individuals affected with SLC26A1-related conditions. ClinVar contains an entry for this variant (Variation ID: 3956055). Invitae Evidence Modeling of protein sequence and biophysical properties (such as structural, functional, and spatial information, amino acid conservation, physicochemical variation, residue mobility, and thermodynamic stability) indicates that this missense variant is not expected to disrupt SLC26A1 protein function with a negative predictive value of 80%. In summary, the available evidence is currently insufficient to determine the role of this variant in disease. Therefore, it has been classified as a Variant of Uncertain Significance.

Ambry Genetics
Classification: Uncertain significance for Inborn genetic diseases. Last evaluated: 2025-04-10. Review status: criteria provided, single submitter. Criteria: Ambry Variant Classification Scheme 2023. Collection method: clinical testing. Allele origin: germline.

NM_022042.4(SLC26A1):c.790G>A (p.Val264Met)

Genes: IDUA (alpha-L-iduronidase; plus strand), SLC26A1 (solute carrier family 26 member 1; minus strand). Cytogenetic location: 4p16.3.
Variant type: single nucleotide variant.
Coding change: c.790G>A on transcript NM_022042.4 (MANE Select); coding-DNA position 790, G replaced by A.
Protein change: p.Val264Met; replaces valine 264 with methionine.
Molecular consequence: missense variant. On other transcripts: intron variant (2).
Genome position (GRCh38, 1-based): chr4:990,149, C>T on the plus strand (G>A on the coding strand, the complement: SLC26A1 is on the minus strand). VCF-style: chr4-990149-C-T. GRCh37 (hg19) VCF-style: chr4-983937-C-T.
Other names: c.790G>A, p.Val264Met (NM_213613.4); c.576+979G>A (NM_134425.4); c.299+2200C>T (NM_000203.5); short protein forms V264M.
Identifiers: ClinVar variation 3956055 (VCV003956055.2).